The following is an entry in ClinVar:

ClinVar aggregate classification (germline): Benign/Likely benign. Review status: criteria provided, multiple submitters, no conflicts (2 of 4 stars). 3 submissions from 3 submitters: Benign (1); Likely benign (2). Last evaluated 2026-01-27.

Conditions:
Hyperprolinemia type 2 (HYRPRO2). Also called: 1-PYRROLINE-5-CARBOXYLATE DEHYDROGENASE DEFICIENCY; Delta-1-pyrroline-5-carboxylate dehydrogenase deficiency; Deficiency of pyrroline-5-carboxylate reductase. Identifiers: Orphanet 79101, MedGen C2931835, MONDO:0009401, OMIM 239510.

Allele frequency attached by ClinVar (database versions not stated): gnomAD exomes 0.00159 and 0.00444; ExAC 0.00554; gnomAD 0.01694 and 0.01815; TOPMed 0.01919; 1000 Genomes Project 0.01977; 1000 Genomes Project 30x 0.01983; ESP Exome Variant Server 0.02045.
gnomAD v4.1: 5,024 of 1,613,922 alleles (0.31%); highest among the groups gnomAD compares: African/African-American, 5.7%; 151 homozygotes.

Submissions (3):

Labcorp Genetics (formerly Invitae), Labcorp
Classification: Benign for Hyperprolinemia type 2. Last evaluated: 2026-01-27. Review status: criteria provided, single submitter. Criteria: Invitae Variant Classification Sherloc (09022015). Collection method: clinical testing. Allele origin: germline.

Illumina Laboratory Services, Illumina
Classification: Likely benign for Hyperprolinemia type 2. Last evaluated: 2017-04-27. Review status: criteria provided, single submitter. Criteria: ICSL Variant Classification Criteria 13 December 2019. Collection method: clinical testing. Allele origin: germline.
Comment: This variant was observed as part of a predisposition screen in an ostensibly healthy population. A literature search was performed for the gene, cDNA change, and amino acid change (where applicable). No publications were found based on this search. Allele frequency data from public databases allowed determination this variant is unlikely to cause disease. Therefore, this variant is classified as likely benign.

Breakthrough Genomics
Classification: Likely benign. Review status: criteria provided, single submitter. Criteria: ACMG Guidelines, 2015. Collection method: not provided. Allele origin: germline. Inheritance: Autosomal recessive inheritance. Affected: yes.

NM_003748.4(ALDH4A1):c.744C>T (p.Ile248=)

Gene: ALDH4A1 (aldehyde dehydrogenase 4 family member A1; minus strand). Cytogenetic location: 1p36.13.
Variant type: single nucleotide variant.
Coding change: c.744C>T on transcript NM_003748.4 (MANE Select); coding-DNA position 744, C replaced by T.
Protein change: p.Ile248=; no amino-acid change (isoleucine 248 retained).
Molecular consequence: synonymous variant.
Genome position (GRCh38, 1-based): chr1:18,881,822, G>A on the plus strand (C>T on the coding strand, the complement: ALDH4A1 is on the minus strand). VCF-style: chr1-18881822-G-A. GRCh37 (hg19) VCF-style: chr1-19208316-G-A.
Other names: c.744C>T, p.Ile248= (NM_001319218.2, NM_170726.3); c.564C>T, p.Ile188= (NM_001161504.2).
Identifiers: ClinVar variation 702099 (VCV000702099.15), dbSNP rs60427141, ClinGen allele CA647211.